The following is an entry in ClinVar:

ClinVar aggregate classification (germline): Likely benign. Review status: criteria provided, multiple submitters, no conflicts (2 of 4 stars). 4 submissions from 4 submitters: Likely benign (3). 1 of the submissions does not count toward it. Last evaluated 2026-02-04.

Conditions:
DSE-related disorder. Also called: DSE-related condition.
Ehlers-Danlos syndrome, musculocontractural type 2 (EDSMC2). Identifiers: Orphanet 2953, MedGen C3809845, MONDO:0014236, OMIM 615539.

Allele frequency attached by ClinVar (database versions not stated): ESP Exome Variant Server 0.00008; ExAC 0.00010; gnomAD exomes 0.00014 and 0.00027; gnomAD 0.00015 and 0.00017; TOPMed 0.00015; 1000 Genomes Project 0.00020; 1000 Genomes Project 30x 0.00031.
gnomAD v4.1: 411 of 1,614,136 alleles (0.025%); highest among the groups gnomAD compares: Non-Finnish European, 0.032%; no homozygotes.

Submissions (4):

Labcorp Genetics (formerly Invitae), Labcorp
Classification: Likely benign for Ehlers-Danlos syndrome, musculocontractural type 2. Last evaluated: 2026-02-04. Review status: criteria provided, single submitter. Criteria: Invitae Variant Classification Sherloc (09022015). Collection method: clinical testing. Allele origin: germline.

Women's Health and Genetics/Laboratory Corporation of America, LabCorp
Classification: Likely benign. Last evaluated: 2025-03-14. Review status: criteria provided, single submitter. Criteria: LabCorp Variant Classification Summary - May 2015. Collection method: clinical testing. Allele origin: germline.

GeneDx
Classification: Likely benign. Last evaluated: 2020-08-26. Review status: criteria provided, single submitter. Criteria: GeneDx Variant Classification Process June 2021. Collection method: clinical testing. Allele origin: germline. Affected: yes.

PreventionGenetics, part of Exact Sciences
Classification: Likely benign for DSE-related condition. Last evaluated: 2023-05-30. Review status: no assertion criteria provided. Collection method: clinical testing. Allele origin: germline. Not counted in ClinVar's aggregate classification.
Comment: This variant is classified as likely benign based on ACMG/AMP sequence variant interpretation guidelines (Richards et al. 2015 PMID: 25741868, with internal and published modifications).

NM_013352.4(DSE):c.2727T>C (p.Ile909=)

Gene: DSE (dermatan sulfate epimerase; plus strand). Cytogenetic location: 6q22.1.
Variant type: single nucleotide variant.
Coding change: c.2727T>C on transcript NM_013352.4 (MANE Select); coding-DNA position 2727, T replaced by C.
Protein change: p.Ile909=; no amino-acid change (isoleucine 909 retained).
Molecular consequence: synonymous variant. On other transcripts: 3 prime UTR variant (2), non-coding transcript variant (1).
Genome position (GRCh38, 1-based): chr6:116,437,195, T>C. VCF-style: chr6-116437195-T-C. GRCh37 (hg19) VCF-style: chr6-116758358-T-C.
Other names: c.2727T>C, p.Ile909= (NM_001080976.3, NM_001322937.2, NM_001322938.2); c.2784T>C, p.Ile928= (NM_001322939.2); c.2166T>C, p.Ile722= (NM_001322940.2, NM_001322941.2); c.*1592T>C (NM_001322943.2, NM_001322944.2); c.1728T>C, p.Ile576= (NM_001374520.1); c.1692T>C, p.Ile564= (NM_001374521.1); c.2727T>C (NM_013352.3).
Identifiers: ClinVar variation 517742 (VCV000517742.14), dbSNP rs199742443, ClinGen allele CA3969863.
Genomic context (GRCh38, chr6:116,437,195, plus strand): 5'-ACACAGCAGGGCCCCATCACTGTCTGCTTCCTATACCAGGTTGTTCCTGATTCTGAACAT[T>C]GCTATTTTCTTTGTCATGTTGGCAATGCAACTGACTTATTTCCAGAGGGCCCAGAGCCTA-3'
Protein context (NP_037484.1, residues 899-919): SYTRLFLILN[Ile909=]AIFFVMLAMQ